The following is an entry in ClinVar:

ClinVar aggregate classification (germline): Uncertain significance (1 of 4 stars; one submission).

Conditions:
Renal cell carcinoma. Identifiers: Orphanet 217071, MedGen C0007134, MeSH D002292, MONDO:0005086, HP:0005584.

Submission:

Labcorp Genetics (formerly Invitae), Labcorp
Classification: Uncertain significance for Renal cell carcinoma. Last evaluated: 2022-08-22. Review status: criteria provided, single submitter. Criteria: Invitae Variant Classification Sherloc (09022015). Collection method: clinical testing. Allele origin: germline.
Comment: This variant is not present in population databases (gnomAD no frequency). This sequence change replaces leucine, which is neutral and non-polar, with serine, which is neutral and polar, at codon 211 of the MET protein (p.Leu211Ser). This variant has not been reported in the literature in individuals affected with MET-related conditions. Algorithms developed to predict the effect of missense changes on protein structure and function (SIFT, PolyPhen-2, Align-GVGD) all suggest that this variant is likely to be tolerated. In summary, the available evidence is currently insufficient to determine the role of this variant in disease. Therefore, it has been classified as a Variant of Uncertain Significance.

NM_000245.4(MET):c.632T>C (p.Leu211Ser)

Gene: MET (MET proto-oncogene, receptor tyrosine kinase; plus strand). Cytogenetic location: 7q31.2.
Variant type: single nucleotide variant.
Coding change: c.632T>C on transcript NM_000245.4 (MANE Select); coding-DNA position 632, T replaced by C.
Protein change: p.Leu211Ser; replaces leucine 211 with serine.
Molecular consequence: missense variant. On other transcripts: intron variant (1).
Genome position (GRCh38, 1-based): chr7:116,699,716, T>C. VCF-style: chr7-116699716-T-C. GRCh37 (hg19) VCF-style: chr7-116339770-T-C.
Other names: c.632T>C, p.Leu211Ser (NM_001127500.3, NM_001324401.3); c.-91+27139T>C (NM_001324402.2); short protein forms L211S.
Identifiers: ClinVar variation 1717691 (VCV001717691.5), dbSNP rs45483396, ClinGen allele CA368969503.
Genomic context (GRCh38, chr7:116,699,716, plus strand): 5'-GGTTCATCAACTTCTTTGTAGGCAATACCATAAATTCTTCTTATTTCCCAGATCATCCAT[T>C]GCATTCGATATCAGTGAGAAGGCTAAAGGAAACGAAAGATGGTTTTATGTTTTTGACGGA-3'
Protein context (NP_000236.2, residues 201-221): INSSYFPDHP[Leu211Ser]HSISVRRLKE